The following is an entry in ClinVar:

ClinVar aggregate classification (germline): Uncertain significance. Review status: criteria provided, multiple submitters, no conflicts (2 of 4 stars). 2 submissions from 2 submitters: Uncertain significance (2). Last evaluated 2026-05-14.

Conditions:
Hereditary cancer-predisposing syndrome. Also called: Neoplastic Syndromes, Hereditary; Tumor predisposition; Hereditary Cancer Syndrome; Hereditary neoplastic syndrome. Identifiers: Orphanet 140162, MedGen C0027672, MeSH D009386, MONDO:0015356.
Renal cell carcinoma. Identifiers: Orphanet 217071, MedGen C0007134, MeSH D002292, MONDO:0005086, HP:0005584.

Submissions (2):

Ambry Genetics
Classification: Uncertain significance for Hereditary cancer-predisposing syndrome. Last evaluated: 2026-05-14. Review status: criteria provided, single submitter. Criteria: Ambry Variant Classification Scheme 2023. Collection method: clinical testing. Allele origin: germline.
Comment: The p.F838L variant (also known as c.2514T>A), located in coding exon 10 of the MET gene, results from a T to A substitution at nucleotide position 2514. The phenylalanine at codon 838 is replaced by leucine, an amino acid with highly similar properties. This amino acid position is conserved. In addition, this alteration is predicted to be tolerated by in silico analysis. Based on the available evidence, the clinical significance of this variant remains unclear.

Labcorp Genetics (formerly Invitae), Labcorp
Classification: Uncertain significance for Renal cell carcinoma. Last evaluated: 2025-12-24. Review status: criteria provided, single submitter. Criteria: Invitae Variant Classification Sherloc (09022015). Collection method: clinical testing. Allele origin: germline.
Comment: This sequence change replaces phenylalanine, which is neutral and non-polar, with leucine, which is neutral and non-polar, at codon 838 of the MET protein (p.Phe838Leu). This variant is not present in population databases (gnomAD no frequency). This variant has not been reported in the literature in individuals affected with MET-related conditions. Invitae Evidence Modeling of protein sequence and biophysical properties (such as structural, functional, and spatial information, amino acid conservation, physicochemical variation, residue mobility, and thermodynamic stability) indicates that this missense variant is not expected to disrupt MET protein function with a negative predictive value of 80%. In summary, the available evidence is currently insufficient to determine the role of this variant in disease. Therefore, it has been classified as a Variant of Uncertain Significance.

NM_000245.4(MET):c.2460T>A (p.Phe820Leu)

Gene: MET (MET proto-oncogene, receptor tyrosine kinase; plus strand). Cytogenetic location: 7q31.2.
Variant type: single nucleotide variant.
Coding change: c.2460T>A on transcript NM_000245.4 (MANE Select); coding-DNA position 2460, T replaced by A.
Protein change: p.Phe820Leu; replaces phenylalanine 820 with leucine.
Molecular consequence: missense variant.
Genome position (GRCh38, 1-based): chr7:116,763,145, T>A. VCF-style: chr7-116763145-T-A. GRCh37 (hg19) VCF-style: chr7-116403199-T-A.
Other names: c.2514T>A, p.Phe838Leu (NM_001127500.3); c.2460T>A, p.Phe820Leu (NM_001324401.3); c.1170T>A, p.Phe390Leu (NM_001324402.2); short protein forms F820L, F838L, F390L.
Identifiers: ClinVar variation 4742258 (VCV004742258.2).